The following is an entry in ClinVar:

NM_015474.4(SAMHD1):c.817G>T (p.Val273Leu)

Gene: SAMHD1 (SAM and HD domain containing deoxynucleoside triphosphate triphosphohydrolase 1; minus strand). Cytogenetic location: 20q11.23.
Variant type: single nucleotide variant.
Coding change: c.817G>T on transcript NM_015474.4 (MANE Select); coding-DNA position 817, G replaced by T.
Protein change: p.Val273Leu; replaces valine 273 with leucine.
Molecular consequence: missense variant.
Genome position (GRCh38, 1-based): chr20:36,919,399, C>A on the plus strand (G>T on the coding strand, the complement: SAMHD1 is on the minus strand). VCF-style: chr20-36919399-C-A. GRCh37 (hg19) VCF-style: chr20-35547802-C-A.
Other names: c.817G>T, p.Val273Leu (NM_001363729.2, NM_001363733.2); short protein forms V273L.
Identifiers: ClinVar variation 1981334 (VCV001981334.1), dbSNP rs749053543, ClinGen allele CA408846186.
Genomic context (GRCh38, chr20:36,919,399, plus strand): 5'-AAAATTAAGCTGTACATAAACTTACCAATGAATCTTCGACAGGTGATTCAAGTGGTCCTA[C>A]AATTTGTTCCTTTATAAAGCAAATATCTTCTTCAGGGATGAGACCATATTGTTCCATGAC-3'
Protein context (NP_056289.2, residues 263-283): EDICFIKEQI[Val273Leu]GPLESPVEDS

ClinVar aggregate classification (germline): Uncertain significance (1 of 4 stars; one submission).

Conditions:
Aicardi-Goutieres syndrome 5. Identifiers: Orphanet 51, MedGen C2749659, MONDO:0013059, OMIM 612952.

Allele frequency attached by ClinVar (database versions not stated): TOPMed below 0.00001.

Submission:

Labcorp Genetics (formerly Invitae), Labcorp
Classification: Uncertain significance for Aicardi-Goutieres syndrome 5. Last evaluated: 2022-05-25. Review status: criteria provided, single submitter. Criteria: Invitae Variant Classification Sherloc (09022015). Collection method: clinical testing. Allele origin: germline.
Comment: This sequence change replaces valine, which is neutral and non-polar, with leucine, which is neutral and non-polar, at codon 273 of the SAMHD1 protein (p.Val273Leu). This variant is not present in population databases (gnomAD no frequency). This variant has not been reported in the literature in individuals affected with SAMHD1-related conditions. Algorithms developed to predict the effect of missense changes on protein structure and function (SIFT, PolyPhen-2, Align-GVGD) all suggest that this variant is likely to be tolerated. In summary, the available evidence is currently insufficient to determine the role of this variant in disease. Therefore, it has been classified as a Variant of Uncertain Significance.